The following is an entry in ClinVar:

ClinVar aggregate classification (germline): Pathogenic. Review status: criteria provided, multiple submitters, no conflicts (2 of 4 stars). 2 submissions from 2 submitters: Pathogenic (2). Last evaluated 2025-12-01.

Conditions:
Abetalipoproteinaemia (ABL). Also called: MTP DEFICIENCY; Abetalipoproteinemia; Abetalipoproteinemia neuropathy; Apolipoprotein B deficiency; Congenital betalipoprotein deficiency syndrome. Identifiers: Orphanet 14, MedGen C0000744, MONDO:0008692, OMIM 200100, HP:0008181.

Submissions (2):

Natera, Inc.
Classification: Pathogenic for Abetalipoproteinemia. Last evaluated: 2025-12-01. Review status: criteria provided, single submitter. Criteria: Natera Variant Classification Schema (03/2026). Collection method: clinical testing. Allele origin: germline.
Comment: The c.1229_1231delinsT variant in MTTP is a frameshift variant predicted to shift the reading frame beginning at codon 410 and leads to a stop codon 3 codons downstream. This variant is expected to result in nonsense mediated decay, truncation, or a dysfunctional protein product. This variant is rare in the general population with a frequency below the threshold expected for the associated phenotype(s). This variant has been observed in one or more individuals affected with the associated recessive disease, as either homozygous or compound heterozygous with a second variant (PMID: 34078172). Given the available evidence, this variant is classified as Pathogenic.

Myriad Genetics, Inc.
Classification: Pathogenic for Abetalipoproteinaemia. Last evaluated: 2024-05-14. Review status: criteria provided, single submitter. Criteria: Myriad Autosomal Dominant, Autosomal Recessive and X-Linked Classification Criteria (2023). Collection method: clinical testing. Allele origin: unknown.
Comment: NM_000253.2(MTTP):c.1229_1231delCCCinsT(A410Vfs*3) is expected to be pathogenic in the context of abetalipoproteinemia. This variant is predicted to lead to an abnormal or absent protein product due to the creation of a premature termination codon in MTTP, a gene where loss-of-function variants are known to be pathogenic. Please note: this variant was assessed in the context of healthy population screening.

Literature cited by the submitters: PubMed 34078172 (cited by Natera, Inc.).

NM_001386140.1(MTTP):c.1229_1231delinsT (p.Ala410fs)

Gene: MTTP (microsomal triglyceride transfer protein; plus strand). Cytogenetic location: 4q23.
Variant type: Indel.
Coding change: c.1229_1231delinsT on transcript NM_001386140.1 (MANE Select); coding-DNA positions 1229 to 1231, CCC replaced by T.
Protein change: p.Ala410fs; shifts the reading frame from alanine 410.
Molecular consequence: frameshift variant.
Genome position (GRCh38, 1-based): chr4:99,600,726-99,600,728, CCC replaced by T. VCF-style: chr4-99600726-CCC-T. GRCh37 (hg19) VCF-style: chr4-100521883-CCC-T.
Other names: c.1229_1231delinsT, p.Ala410fs (NM_000253.4); c.980_982delinsT, p.Ala327fs (NM_001300785.2); short protein forms A327fs, A410fs.
Identifiers: ClinVar variation 4817985 (VCV004817985.2).
Genomic context (GRCh38, chr4:99,600,726, plus strand): 5'-AGGAGAGGTTTCTCTATGCCTGTGGATTTGCTTCTCATCCCAATGAAGAACTCCTGAGAG[CCC>T]TCATTGTAAGTCAAATAGAAAATAAAGACCCTCAACTCCTATAAAACTTCTTAAGAATAT-3'